The following is an entry in ClinVar:

NM_006231.4(POLE):c.2923CGC[1] (p.Arg976del)

Gene: POLE (DNA polymerase epsilon, catalytic subunit; minus strand). Cytogenetic location: 12q24.33.
Variant type: Microsatellite.
Coding change: c.2923CGC[1] on transcript NM_006231.4 (MANE Select); one copy of the 3-base unit CGC starting at c.2923; the reference has two copies in a row; one copy, 3 bases deleted.
Protein change: p.Arg976del; deletes arginine 976.
Molecular consequence: inframe deletion.
Genome position (GRCh38, 1-based): chr12:132,661,101-132,661,103, GCG deleted on the plus strand (CGC on the coding strand, the reverse complement: POLE is on the minus strand); deleting any 3 consecutive bases within chr12:132,661,101-132,661,106 gives the same sequence; the position shown is the placement nearest the transcript's 3' end. VCF-style (leftmost placement, unchanged base first): chr12-132661100-CGCG-C. GRCh37 (hg19) VCF-style: chr12-133237686-CGCG-C.
Other names: short protein forms R976del.
Identifiers: ClinVar variation 4700509 (VCV004700509.1).

ClinVar aggregate classification (germline): Uncertain significance (1 of 4 stars; one submission).

Submission:

Labcorp Genetics (formerly Invitae), Labcorp
Classification: Uncertain significance. Last evaluated: 2025-07-20. Review status: criteria provided, single submitter. Criteria: Invitae Variant Classification Sherloc (09022015). Collection method: clinical testing. Allele origin: germline.
Comment: This variant, c.2926_2928del, results in the deletion of 1 amino acid(s) of the POLE protein (p.Arg976del), but otherwise preserves the integrity of the reading frame. This variant is not present in population databases (gnomAD no frequency). This variant has not been reported in the literature in individuals affected with POLE-related conditions. Experimental studies and prediction algorithms are not available or were not evaluated, and the functional significance of this variant is currently unknown. In summary, the available evidence is currently insufficient to determine the role of this variant in disease. Therefore, it has been classified as a Variant of Uncertain Significance.